The following is an entry in ClinVar:

NC_000014.8:g.(?_66975246)_(66975319_?)dup

Gene: GPHN (gephyrin; plus strand). Cytogenetic location: 14q23.3.
Variant type: Duplication.
Identifiers: ClinVar variation 1015962 (VCV001015962.1).

ClinVar aggregate classification (germline): Uncertain significance (1 of 4 stars; one submission).

Conditions:
Sulfite oxidase deficiency due to molybdenum cofactor deficiency type C. Also called: Molybdenum cofactor deficiency, complementation group C; Molybdenum cofactor deficiency C. Identifiers: Orphanet 308400, Orphanet 833, MedGen C1854990, MONDO:0014212, OMIM 615501.

Submission:

Labcorp Genetics (formerly Invitae), Labcorp
Classification: Uncertain significance for Sulfite oxidase deficiency due to molybdenum cofactor deficiency type C. Last evaluated: 2020-10-06. Review status: criteria provided, single submitter. Criteria: Invitae Variant Classification Sherloc (09022015). Collection method: clinical testing. Allele origin: germline.
Comment: This variant results in a copy number gain of the genomic region encompassing exon 1 of the GPHN gene, which includes the initiator codon. The 5' end of this event is unknown as it extends beyond the assayed region for this gene and therefore may encompass additional genes. The 3' boundary is likely confined to intron 1 of the GPHN gene. As the precise location of this event is unknown, it may be in tandem or it may be located elsewhere in the genome. This variant has not been reported in the literature in individuals with GPHN-related conditions. In summary, the available evidence is currently insufficient to determine the role of this variant in disease. Therefore, it has been classified as a Variant of Uncertain Significance.